The following is an entry in ClinVar:

NM_001378454.1(ALMS1):c.9225_9226insTTT (p.Ser3075_Lys3076insPhe)

Gene: ALMS1 (ALMS1 centrosome and basal body associated protein; plus strand). Cytogenetic location: 2p13.1.
Variant type: Insertion.
Coding change: c.9225_9226insTTT on transcript NM_001378454.1 (MANE Select); coding-DNA positions 9225 to 9226, TTT inserted.
Protein change: p.Ser3075_Lys3076insPhe.
Molecular consequence: inframe insertion.
Genome position: GRCh38 VCF-style: chr2-73491183-C-CTTT. GRCh37 (hg19) VCF-style: chr2-73718310-C-CTTT.
Other names: c.9228_9229insTTT, p.Ser3076_Lys3077insPhe (NM_015120.4).
Identifiers: ClinVar variation 1766251 (VCV001766251.2), dbSNP rs2466219917, ClinGen allele CA2580068361.

ClinVar aggregate classification (germline): Uncertain significance (1 of 4 stars; one submission).

Conditions:
Cardiovascular phenotype. Identifiers: MedGen CN230736.

Submission:

Ambry Genetics
Classification: Uncertain significance for Cardiovascular phenotype. Last evaluated: 2022-08-23. Review status: criteria provided, single submitter. Criteria: Ambry Variant Classification Scheme 2023. Collection method: clinical testing. Allele origin: germline.
Comment: The c.9228_9229insTTT variant (also known as p.S3076_K3077insF), located in coding exon 10 of the ALMS1 gene, results from an in-frame TTT insertion at nucleotide positions 9228 to 9229. This results in the insertion of a phenylalanine residue between codons 3076 and 3077. Since supporting evidence is limited at this time, the clinical significance of this alteration remains unclear.